The following is an entry in ClinVar:

NM_176869.3(PPA2):c.380G>A (p.Arg127His)

Gene: PPA2 (inorganic pyrophosphatase 2; minus strand). Cytogenetic location: 4q24.
Variant type: single nucleotide variant.
Coding change: c.380G>A on transcript NM_176869.3 (MANE Select); coding-DNA position 380, G replaced by A.
Protein change: p.Arg127His; replaces arginine 127 with histidine.
Molecular consequence: missense variant. On other transcripts: intron variant (2).
Genome position (GRCh38, 1-based): chr4:105,446,444, C>T on the plus strand (G>A on the coding strand, the complement: PPA2 is on the minus strand). VCF-style: chr4-105446444-C-T. GRCh37 (hg19) VCF-style: chr4-106367601-C-T.
Other names: c.380G>A, p.Arg127His (NM_006903.4); c.157+27450G>A (NM_176867.3); c.222+10237G>A (NM_176866.2); short protein forms R127H.
Identifiers: ClinVar variation 1486585 (VCV001486585.6), dbSNP rs139076647, ClinGen allele CA3032565.
Genomic context (GRCh38, chr4:105,446,444, plus strand): 5'-TGAGGGAGGGTACCATAATTCCATATATAACCCTTGTAAGGGAAGATATTCGCCACATAG[C>T]GTAGCTTTCCATCCTTTACATATTGTTTAATGGGATTCATTGGCTCCTTGGTGGCAATCT-3'
Protein context (NP_789845.1, residues 117-137): IKQYVKDGKL[Arg127His]YVANIFPYKG

ClinVar aggregate classification (germline): Uncertain significance (1 of 4 stars; one submission).

gnomAD v4.1: 20 of 1,605,512 alleles (0.0012%); highest among the groups gnomAD compares: East Asian, 0.0045%; no homozygotes.

Submission:

Labcorp Genetics (formerly Invitae), Labcorp
Classification: Uncertain significance. Last evaluated: 2021-03-10. Review status: criteria provided, single submitter. Criteria: Invitae Variant Classification Sherloc (09022015). Collection method: clinical testing. Allele origin: germline.
Comment: This variant disrupts the p.Arg127 amino acid residue in PPA2. Other variant(s) that disrupt this residue have been determined to be pathogenic (PMID: 27523597, Invitae). This suggests that this residue is clinically significant, and that variants that disrupt this residue are likely to be disease-causing. Algorithms developed to predict the effect of missense changes on protein structure and function (SIFT, PolyPhen-2, Align-GVGD) all suggest that this variant is likely to be disruptive, but these predictions have not been confirmed by published functional studies and their clinical significance is uncertain. This variant has not been reported in the literature in individuals with PPA2-related conditions. This variant is present in population databases (rs139076647, ExAC 0.01%). This sequence change replaces arginine with histidine at codon 127 of the PPA2 protein (p.Arg127His). The arginine residue is highly conserved and there is a small physicochemical difference between arginine and histidine. In summary, the available evidence is currently insufficient to determine the role of this variant in disease. Therefore, it has been classified as a Variant of Uncertain Significance.

Literature cited by the submitters: PubMed 27523597.